The following is an entry in ClinVar:

ClinVar aggregate classification (germline): Uncertain significance. Review status: criteria provided, multiple submitters, no conflicts (2 of 4 stars). 2 submissions from 2 submitters: Uncertain significance (2). Last evaluated 2025-12-17.

Conditions:
Loeys-Dietz syndrome 2 (LDS2). Also called: TGFBR2-Related Loeys-Dietz Syndrome; AORTIC ANEURYSM, FAMILIAL THORACIC 3; MARFAN SYNDROME, TYPE II; Marfan syndrome, type 2 (formerly); Marfan Syndrome type 2; Marfan like connective tissue disorder. Identifiers: Orphanet 284973, Orphanet 558, MedGen C2674574, MONDO:0012427, OMIM 610168.

Allele frequency attached by ClinVar (database versions not stated): gnomAD exomes below 0.00001 and 0.00001; ExAC 0.00001; gnomAD 0.00001; TOPMed 0.00002.
gnomAD v4.1: 16 of 1,613,894 alleles (0.00099%); highest among the groups gnomAD compares: African/African-American, 0.0027%; no homozygotes.

Submissions (2):

Labcorp Genetics (formerly Invitae), Labcorp
Classification: Uncertain significance for Loeys-Dietz syndrome 2. Last evaluated: 2025-12-17. Review status: criteria provided, single submitter. Criteria: Invitae Variant Classification Sherloc (09022015). Collection method: clinical testing. Allele origin: germline.
Comment: This sequence change replaces isoleucine, which is neutral and non-polar, with valine, which is neutral and non-polar, at codon 325 of the TMPO protein (p.Ile325Val). This variant is present in population databases (rs747786976, gnomAD 0.002%). This variant has not been reported in the literature in individuals affected with TMPO-related conditions. ClinVar contains an entry for this variant (Variation ID: 518726). Invitae Evidence Modeling of protein sequence and biophysical properties (such as structural, functional, and spatial information, amino acid conservation, physicochemical variation, residue mobility, and thermodynamic stability) indicates that this missense variant is not expected to disrupt TMPO protein function with a negative predictive value of 80%. In summary, the available evidence is currently insufficient to determine the role of this variant in disease. Therefore, it has been classified as a Variant of Uncertain Significance.

Ambry Genetics
Classification: Uncertain significance. Last evaluated: 2017-10-24. Review status: criteria provided, single submitter. Criteria: Ambry Variant Classification Scheme 2023. Collection method: clinical testing. Allele origin: germline.
Comment: The p.I325V variant (also known as c.973A>G), located in coding exon 4 of the TMPO gene, results from an A to G substitution at nucleotide position 973. The isoleucine at codon 325 is replaced by valine, an amino acid with highly similar properties. This amino acid position is not well conserved in available vertebrate species, and valine is the reference amino acid in other vertebrate species. In addition, this alteration is predicted to be tolerated by in silico analysis. Since supporting evidence is limited at this time, the clinical significance of this alteration remains unclear.

NM_001032283.3(TMPO):c.565+1392A>G

Gene: TMPO (thymopoietin; plus strand). Cytogenetic location: 12q23.1.
Variant type: single nucleotide variant.
Coding change: c.565+1392A>G on transcript NM_001032283.3 (MANE Select); 1392 bases into the intron after coding-DNA position 565, A replaced by G.
Molecular consequence: intron variant. On other transcripts: missense variant (1).
Genome position (GRCh38, 1-based): chr12:98,533,230, A>G. VCF-style: chr12-98533230-A-G. GRCh37 (hg19) VCF-style: chr12-98927008-A-G.
Other names: c.973A>G, p.Ile325Val (NM_003276.2); c.565+1392A>G (NM_001307975.2, NM_001032284.3); short protein forms I325V.
Identifiers: ClinVar variation 518726 (VCV000518726.6), dbSNP rs747786976, ClinGen allele CA6732329.